The following is an entry in ClinVar:

NM_001360.3(DHCR7):c.-23T>C

Gene: DHCR7 (7-dehydrocholesterol reductase; minus strand). Cytogenetic location: 11q13.4.
Variant type: single nucleotide variant.
Coding change: c.-23T>C on transcript NM_001360.3 (MANE Select); 23 bases upstream of the start codon, T replaced by C.
Molecular consequence: 5 prime UTR variant.
Genome position (GRCh38, 1-based): chr11:71,447,626, A>G on the plus strand (T>C on the coding strand, the complement: DHCR7 is on the minus strand). VCF-style: chr11-71447626-A-G. GRCh37 (hg19) VCF-style: chr11-71158672-A-G.
Other names: c.-23T>C (NM_001163817.2).
Identifiers: ClinVar variation 305962 (VCV000305962.12), dbSNP rs12573951, ClinGen allele CA10631482.

ClinVar aggregate classification (germline): Benign/Likely benign. Review status: criteria provided, multiple submitters, no conflicts (2 of 4 stars). 4 submissions from 4 submitters: Benign (1); Likely benign (2). 1 of the submissions does not count toward it. Last evaluated 2018-01-13.

Conditions:
Smith-Lemli-Opitz syndrome (SLOS). Also called: LETHAL ACRODYSGENITAL SYNDROME; POLYDACTYLY, SEX REVERSAL, RENAL HYPOPLASIA, AND UNILOBAR LUNG; RSH SYNDROME; RUTLEDGE LETHAL MULTIPLE CONGENITAL ANOMALY SYNDROME; 7-Dehydrocholesterol reductase deficiency. Identifiers: Orphanet 818, MedGen C0175694, MONDO:0010035, OMIM 270400.

Allele frequency attached by ClinVar (database versions not stated): TOPMed 0.04123; 1000 Genomes Project 30x 0.04201; 1000 Genomes Project 0.04393; gnomAD 0.04501 and 0.04720; gnomAD exomes 0.08824.
gnomAD v4.1: 7,181 of 152,296 alleles (4.7%); highest among the groups gnomAD compares: South Asian, 11%; 230 homozygotes.

Submissions (4):

Illumina Laboratory Services, Illumina
Classification: Likely benign for Smith-Lemli-Opitz syndrome. Last evaluated: 2018-01-13. Review status: criteria provided, single submitter. Criteria: ICSL Variant Classification Criteria 13 December 2019. Collection method: clinical testing. Allele origin: germline.
Comment: This variant was observed in the ICSL laboratory as part of a predisposition screen in an ostensibly healthy population. It had not been previously curated by ICSL or reported in the Human Gene Mutation Database (HGMD: prior to June 1st, 2018), and was therefore a candidate for classification through an automated scoring system. Utilizing variant allele frequency, disease prevalence and penetrance estimates, and inheritance mode, an automated score was calculated to assess if this variant is too frequent to cause the disease. Based on the score and internal cut-off values, a variant classified as likely benign is not then subjected to further curation. The score for this variant resulted in a classification of likely benign for this disease.

GeneDx
Classification: Benign. Last evaluated: 2015-03-03. Review status: criteria provided, single submitter. Criteria: GeneDx Variant Classification Process June 2021. Collection method: clinical testing. Allele origin: germline. Affected: yes.

Breakthrough Genomics
Classification: Likely benign. Review status: criteria provided, single submitter. Criteria: ACMG Guidelines, 2015. Collection method: not provided. Allele origin: germline. Inheritance: Autosomal recessive inheritance. Affected: yes.

Natera, Inc.
Classification: Likely benign for Smith-Lemli-Opitz syndrome. Last evaluated: 2017-05-05. Review status: no assertion criteria provided. Collection method: clinical testing. Allele origin: germline. Not counted in ClinVar's aggregate classification.